The following is an entry in ClinVar:

ClinVar aggregate classification (germline): Uncertain significance (1 of 4 stars; one submission).

Submission:

Labcorp Genetics (formerly Invitae), Labcorp
Classification: Uncertain significance. Last evaluated: 2022-06-18. Review status: criteria provided, single submitter. Criteria: Invitae Variant Classification Sherloc (09022015). Collection method: clinical testing. Allele origin: germline.
Comment: This variant is a gross deletion of the genomic region encompassing exon(s) 17 of the ADGRV1 gene. This variant would be expected to be in-frame, preserving the integrity of the reading frame. This variant has not been reported in the literature in individuals affected with ADGRV1-related conditions. Experimental studies and prediction algorithms are not available or were not evaluated, and the functional significance of this variant is currently unknown. In summary, the available evidence is currently insufficient to determine the role of this variant in disease. Therefore, it has been classified as a Variant of Uncertain Significance.

NC_000005.9:g.(?_89943295)_(89943601_?)del

Gene: ADGRV1 (adhesion G protein-coupled receptor V1; plus strand). Cytogenetic location: 5q14.3.
Variant type: Deletion.
Identifiers: ClinVar variation 1000560 (VCV001000560.7).